The following is an entry in ClinVar:

ClinVar aggregate classification (germline): Pathogenic (1 of 4 stars; one submission).

Submission:

GeneDx
Classification: Pathogenic. Last evaluated: 2025-03-13. Review status: criteria provided, single submitter. Criteria: GeneDx Variant Classification Process June 2021. Collection method: clinical testing. Allele origin: germline. Affected: yes.
Comment: Reported in a family with hemophilia A in published literature; however, clinical information was not provided (PMID: 33706050); Frameshift variant predicted to result in protein truncation or nonsense mediated decay in a gene for which loss of function is a known mechanism of disease; Not observed at significant frequency in large population cohorts (gnomAD); This variant is associated with the following publications: (PMID: 20331753, 33706050)

NM_000132.4(F8):c.1437_1438del (p.Leu480fs)

Gene: F8 (coagulation factor VIII; minus strand). Cytogenetic location: Xq28.
Variant type: Microsatellite.
Coding change: c.1437_1438del on transcript NM_000132.4 (MANE Select); coding-DNA positions 1437 to 1438, 2 bases deleted (AC; older notation c.1437_1438delAC).
Protein change: p.Leu480fs; shifts the reading frame from leucine 480.
Molecular consequence: frameshift variant.
Genome position (GRCh38, 1-based): chrX:154,965,975-154,965,976, GT deleted on the plus strand (AC on the coding strand, the reverse complement: F8 is on the minus strand); deleting any 2 consecutive bases within chrX:154,965,975-154,965,980 gives the same sequence; the c. name uses the placement nearest the transcript's 3' end. VCF-style (leftmost placement, unchanged base first): chrX-154965974-AGT-A. GRCh37 (hg19) VCF-style: chrX-154194249-AGT-A.
Other names: short protein forms L480fs.
Identifiers: ClinVar variation 4083307 (VCV004083307.1).